The following is an entry in ClinVar:

ClinVar aggregate classification (germline): Likely pathogenic (1 of 4 stars; one submission).

Conditions:
Joubert syndrome. Also called: JOUBERT-BOLTSHAUSER SYNDROME; Familial aplasia of the vermis. Identifiers: Orphanet 475, MedGen C5979921, MONDO:0018772.
Meckel-Gruber syndrome. Also called: DYSENCEPHALIA SPLANCHNOCYSTICA; GRUBER SYNDROME; Dysencephalia splachnocystica. Identifiers: Orphanet 564, MedGen C0265215, MONDO:0018921.

Submission:

Labcorp Genetics (formerly Invitae), Labcorp
Classification: Likely pathogenic for Joubert syndrome; Meckel-Gruber syndrome. Last evaluated: 2024-08-02. Review status: criteria provided, single submitter. Criteria: Invitae Variant Classification Sherloc (09022015). Collection method: clinical testing. Allele origin: germline.
Comment: This sequence change affects an acceptor splice site in intron 14 of the CC2D2A gene. It is expected to disrupt RNA splicing. Variants that disrupt the donor or acceptor splice site typically lead to a loss of protein function (PMID: 16199547), and loss-of-function variants in CC2D2A are known to be pathogenic (PMID: 19777577). This variant is not present in population databases (gnomAD no frequency). Disruption of this splice site has been observed in individual(s) with Joubert syndrome (PMID: 36319078). ClinVar contains an entry for this variant (Variation ID: 2003576). Algorithms developed to predict the effect of sequence changes on RNA splicing suggest that this variant may disrupt the consensus splice site. In summary, the currently available evidence indicates that the variant is pathogenic, but additional data are needed to prove that conclusively. Therefore, this variant has been classified as Likely Pathogenic.

Literature cited by the submitters: PubMed 16199547; PubMed 19777577; PubMed 36319078.

NM_001378615.1(CC2D2A):c.1467-1G>A

Genes: CC2D2A (coiled-coil and C2 domain containing 2A; plus strand), FBXL5 (F-box and leucine rich repeat protein 5; minus strand). Cytogenetic location: 4p15.32.
Variant type: single nucleotide variant.
Coding change: c.1467-1G>A on transcript NM_001378615.1 (MANE Select); the canonical splice acceptor site of the intron before coding-DNA position 1467, G replaced by A.
Molecular consequence: splice acceptor variant.
Genome position (GRCh38, 1-based): chr4:15,533,192, G>A. VCF-style: chr4-15533192-G-A. GRCh37 (hg19) VCF-style: chr4-15534815-G-A.
Other names: c.1467-1G>A (NM_001080522.2); c.1320-1G>A (NM_001378617.1).
Identifiers: ClinVar variation 2003576 (VCV002003576.4), dbSNP rs2474965141, ClinGen allele CA356410819.